The following is an entry in ClinVar:

NM_001077365.2(POMT1):c.1826-40G>A

Gene: POMT1 (protein O-mannosyltransferase 1; plus strand). Cytogenetic location: 9q34.13.
Variant type: single nucleotide variant.
Coding change: c.1826-40G>A on transcript NM_001077365.2 (MANE Select); 40 bases into the intron before coding-DNA position 1826, G replaced by A.
Molecular consequence: intron variant.
Genome position (GRCh38, 1-based): chr9:131,522,007, G>A. VCF-style: chr9-131522007-G-A. GRCh37 (hg19) VCF-style: chr9-134397394-G-A.
Other names: c.1730-40G>A (NM_001353198.2, NM_001353197.2); c.1892-40G>A (NM_001353193.2, NM_007171.4); c.1826-40G>A (NM_001136113.2); c.1664-40G>A (NM_001353194.2, NM_001077366.2); c.1475-40G>A (NM_001374691.1, NM_001353195.2, NM_001374692.1 and 2 more transcripts); c.1607-40G>A (NM_001374690.1); c.1736-40G>A (NM_001353196.2); c.1436-40G>A (NM_001374695.1); and 3 more.
Identifiers: ClinVar variation 260144 (VCV000260144.7), dbSNP rs187443595, ClinGen allele CA5293851.

ClinVar aggregate classification (germline): Benign/Likely benign. Review status: criteria provided, multiple submitters, no conflicts (2 of 4 stars). 4 submissions from 4 submitters: Benign (2); Likely benign (2). Last evaluated 2018-06-16.

Allele frequency attached by ClinVar (database versions not stated): gnomAD 0.00617 and 0.00596; TOPMed 0.01132; 1000 Genomes Project 30x 0.01296; 1000 Genomes Project 0.01178; gnomAD exomes 0.01262; ESP Exome Variant Server 0.00046; ExAC 0.00930.
gnomAD v4.1: 5,139 of 1,612,662 alleles (0.32%); highest among the groups gnomAD compares: Admixed American, 7.7%; 266 homozygotes.

Submissions (4):

GeneDx
Classification: Benign. Last evaluated: 2018-06-16. Review status: criteria provided, single submitter. Criteria: GeneDx Variant Classification (06012015). Collection method: clinical testing. Allele origin: germline. Affected: yes.
Comment: This variant is considered likely benign or benign based on one or more of the following criteria: it is a conservative change, it occurs at a poorly conserved position in the protein, it is predicted to be benign by multiple in silico algorithms, and/or has population frequency not consistent with disease.

Eurofins Ntd Llc (ga)
Classification: Benign. Last evaluated: 2017-02-09. Review status: criteria provided, single submitter. Criteria: EGL Classification Definitions 2015. Collection method: clinical testing. Allele origin: germline. Observed: 2 variant alleles, 2 heterozygotes.

Breakthrough Genomics
Classification: Likely benign. Review status: criteria provided, single submitter. Criteria: ACMG Guidelines, 2015. Collection method: not provided. Allele origin: germline. Inheritance: Autosomal recessive inheritance. Affected: yes.

PreventionGenetics, part of Exact Sciences
Classification: Likely benign. Review status: criteria provided, single submitter. Criteria: ACMG Guidelines, 2015. Collection method: clinical testing. Allele origin: germline.